The following is an entry in ClinVar:

ClinVar aggregate classification (germline): Uncertain significance. Review status: criteria provided, multiple submitters, no conflicts (2 of 4 stars). 2 submissions from 2 submitters: Uncertain significance (2). Last evaluated 2025-03-07.

Allele frequency attached by ClinVar (database versions not stated): TOPMed 0.00001.
gnomAD v4.1: 15 of 1,613,868 alleles (0.00093%); highest among the groups gnomAD compares: African/African-American, 0.0013%; no homozygotes.

Submissions (2):

Ambry Genetics
Classification: Uncertain significance. Last evaluated: 2025-03-07. Review status: criteria provided, single submitter. Criteria: Ambry Variant Classification Scheme 2023. Collection method: clinical testing. Allele origin: germline.

Labcorp Genetics (formerly Invitae), Labcorp
Classification: Uncertain significance. Last evaluated: 2023-12-13. Review status: criteria provided, single submitter. Criteria: Invitae Variant Classification Sherloc (09022015). Collection method: clinical testing. Allele origin: germline.
Comment: This sequence change replaces proline, which is neutral and non-polar, with leucine, which is neutral and non-polar, at codon 1122 of the HMCN1 protein (p.Pro1122Leu). This variant is present in population databases (rs777053849, gnomAD 0.003%). This variant has not been reported in the literature in individuals affected with HMCN1-related conditions. An algorithm developed to predict the effect of missense changes on protein structure and function (PolyPhen-2) suggests that this variant is likely to be disruptive. Algorithms developed to predict the effect of sequence changes on RNA splicing suggest that this variant may disrupt the consensus splice site. In summary, the available evidence is currently insufficient to determine the role of this variant in disease. Therefore, it has been classified as a Variant of Uncertain Significance.

NM_031935.3(HMCN1):c.3365C>T (p.Pro1122Leu)

Gene: HMCN1 (hemicentin 1; plus strand). Cytogenetic location: 1q31.1.
Variant type: single nucleotide variant.
Coding change: c.3365C>T on transcript NM_031935.3 (MANE Select); coding-DNA position 3365, C replaced by T.
Protein change: p.Pro1122Leu; replaces proline 1122 with leucine.
Molecular consequence: missense variant.
Genome position (GRCh38, 1-based): chr1:185,990,431, C>T. VCF-style: chr1-185990431-C-T. GRCh37 (hg19) VCF-style: chr1-185959563-C-T.
Other names: c.3365C>T (NM_031935.2); short protein forms P1122L.
Identifiers: ClinVar variation 3006285 (VCV003006285.2), dbSNP rs777053849, ClinGen allele CA1291683.